The following is an entry in ClinVar:

NM_004990.4(MARS1):c.2204+3A>G

Gene: MARS1 (methionyl-tRNA synthetase 1; plus strand). Cytogenetic location: 12q13.3.
Variant type: single nucleotide variant.
Coding change: c.2204+3A>G on transcript NM_004990.4 (MANE Select); 3 bases into the intron after coding-DNA position 2204, A replaced by G.
Molecular consequence: intron variant.
Genome position (GRCh38, 1-based): chr12:57,515,061, A>G. VCF-style: chr12-57515061-A-G. GRCh37 (hg19) VCF-style: chr12-57908844-A-G.
Identifiers: ClinVar variation 2136512 (VCV002136512.4), dbSNP rs752787448, ClinGen allele CA2580086550.

ClinVar aggregate classification (germline): Uncertain significance (1 of 4 stars; one submission).

Conditions:
Severe early-onset pulmonary alveolar proteinosis due to MARS deficiency. Also called: PULMONARY ALVEOLAR PROTEINOSIS, REUNION ISLAND; Interstitial lung and liver disease. Identifiers: Orphanet 440427, MedGen C4225400, MONDO:0014206, OMIM 615486.
Charcot-Marie-Tooth disease axonal type 2U. Also called: CHARCOT-MARIE-TOOTH NEUROPATHY, TYPE 2U; CHARCOT-MARIE-TOOTH DISEASE, AXONAL, AUTOSOMAL DOMINANT, TYPE 2U. Identifiers: Orphanet 397735, MedGen C4084821, MONDO:0014566, OMIM 616280.

gnomAD v4.1: 1 of 1,614,188 alleles (0.000062%); highest among the groups gnomAD compares: Admixed American, 0.0017%; no homozygotes.

Submission:

Labcorp Genetics (formerly Invitae), Labcorp
Classification: Uncertain significance for Charcot-Marie-Tooth disease axonal type 2U; Severe early-onset pulmonary alveolar proteinosis due to MARS deficiency. Last evaluated: 2022-05-18. Review status: criteria provided, single submitter. Criteria: Invitae Variant Classification Sherloc (09022015). Collection method: clinical testing. Allele origin: germline.
Comment: This sequence change falls in intron 17 of the MARS gene. It does not directly change the encoded amino acid sequence of the MARS protein. It affects a nucleotide within the consensus splice site. This variant is not present in population databases (gnomAD no frequency). This variant has not been reported in the literature in individuals affected with MARS-related conditions. Variants that disrupt the consensus splice site are a relatively common cause of aberrant splicing (PMID: 17576681, 9536098). Algorithms developed to predict the effect of sequence changes on RNA splicing suggest that this variant may disrupt the consensus splice site. In summary, the available evidence is currently insufficient to determine the role of this variant in disease. Therefore, it has been classified as a Variant of Uncertain Significance.

Literature cited by the submitters: PubMed 17576681; PubMed 9536098.